The following is an entry in ClinVar:

NM_002691.4(POLD1):c.500_522dup (p.Asp175delinsSerTer)

Gene: POLD1 (DNA polymerase delta 1, catalytic subunit; plus strand). Cytogenetic location: 19q13.33.
Variant type: Duplication.
Coding change: c.500_522dup on transcript NM_002691.4 (MANE Select); coding-DNA positions 500 to 522, 23 bases duplicated (AGCTGAACTTGGCCATCAGCCGG).
Protein change: p.Asp175delinsSerTer.
Molecular consequence: nonsense. On other transcripts: non-coding transcript variant (1).
Genome position (GRCh38, 1-based): chr19:50,402,035-50,402,057, AGCTGAACTTGGCCATCAGCCGG duplicated; duplicating any 23 consecutive bases within chr19:50,402,033-50,402,057 gives the same sequence; the c. name uses the placement nearest the transcript's 3' end. VCF-style (leftmost placement, unchanged base first): chr19-50402032-G-GGGAGCTGAACTTGGCCATCAGCC. GRCh37 (hg19) VCF-style: chr19-50905289-G-GGGAGCTGAACTTGGCCATCAGCC.
Other names: c.500_522dup, p.Asp175delinsSerTer (NM_001256849.1, NM_001308632.1).
Identifiers: ClinVar variation 3654037 (VCV003654037.2).

ClinVar aggregate classification (germline): Uncertain significance (1 of 4 stars; one submission).

Conditions:
POLD1-related polyposis and colorectal cancer syndrome (CRCS10). Also called: Colorectal cancer 10; COLORECTAL CANCER, SUSCEPTIBILITY TO, ON CHROMOSOME 19q; Colorectal cancer, susceptibility to, 10. Identifiers: Orphanet 220460, MedGen C2675481, MONDO:0012953, OMIM 612591.

Submission:

Labcorp Genetics (formerly Invitae), Labcorp
Classification: Uncertain significance for POLD1-related polyposis and colorectal cancer syndrome. Last evaluated: 2024-05-21. Review status: criteria provided, single submitter. Criteria: Invitae Variant Classification Sherloc (09022015). Collection method: clinical testing. Allele origin: germline.
Comment: This sequence change creates a premature translational stop signal (p.Asp175Serfs*2) in the POLD1 gene. Missense variants that disrupt the 3'-5' exonuclease (proof-reading) activity of the POLD1 protein, are associated with an increased risk for colonic adenomatous polyps and colon cancer (PMID: 23263490, 23447401). However loss-of-function variants, which result in an absent or severely disrupted POLD1 protein, and missense variants outside the exonuclease domain, are unlikely to be associated with polyposis or colon cancer. This variant is not present in population databases (gnomAD no frequency). This variant has not been reported in the literature in individuals affected with POLD1-related conditions. In summary, the available evidence is currently insufficient to determine the role of this variant in disease. Therefore, it has been classified as a Variant of Uncertain Significance.

Literature cited by the submitters: PubMed 23263490; PubMed 23447401.